The following is an entry in ClinVar:

NM_016011.5(MECR):c.832C>T (p.Arg278Cys)

Gene: MECR (mitochondrial trans-2-enoyl-CoA reductase; minus strand). Cytogenetic location: 1p35.3.
Variant type: single nucleotide variant.
Coding change: c.832C>T on transcript NM_016011.5 (MANE Select); coding-DNA position 832, C replaced by T.
Protein change: p.Arg278Cys; replaces arginine 278 with cysteine.
Molecular consequence: missense variant. On other transcripts: non-coding transcript variant (4).
Genome position (GRCh38, 1-based): chr1:29,196,257, G>A on the plus strand (C>T on the coding strand, the complement: MECR is on the minus strand). VCF-style: chr1-29196257-G-A. GRCh37 (hg19) VCF-style: chr1-29522769-G-A.
Other names: c.604C>T, p.Arg202Cys (NM_001024732.4, NM_001349711.2, NM_001349712.2 and 2 more transcripts); c.937C>T, p.Arg313Cys (NM_001349715.2); c.916C>T, p.Arg306Cys (NM_001349716.2); c.682C>T, p.Arg228Cys (NM_001349717.2); short protein forms R228C, R278C, R306C, R202C, R313C.
Identifiers: ClinVar variation 2191830 (VCV002191830.3), dbSNP rs200920712, ClinGen allele CA725625.
Genomic context (GRCh38, chr1:29,196,257, plus strand): 5'-CCACAGAGGCTACGACGGGCTGCTTGGCCATCCCCCCATAGGTTACCATGGTTCCTCCAC[G>A]CCTGAAAAGTCCAAAGAGAACAAAGAGTGGATGCAAGGCAGAGACAGAGCCCTTCCTGAA-3'
Protein context (NP_057095.4, residues 268-288): SSTELLRQLA[Arg278Cys]GGTMVTYGGM

ClinVar aggregate classification (germline): Uncertain significance (1 of 4 stars; one submission).

Allele frequency attached by ClinVar (database versions not stated): gnomAD 0.00001; ESP Exome Variant Server 0.00008.
gnomAD v4.1: 33 of 1,611,246 alleles (0.002%); highest among the groups gnomAD compares: Non-Finnish European, 0.0025%; no homozygotes.

Submission:

Labcorp Genetics (formerly Invitae), Labcorp
Classification: Uncertain significance. Last evaluated: 2025-10-02. Review status: criteria provided, single submitter. Criteria: Invitae Variant Classification Sherloc (09022015). Collection method: clinical testing. Allele origin: germline.
Comment: This sequence change replaces arginine, which is basic and polar, with cysteine, which is neutral and slightly polar, at codon 278 of the MECR protein (p.Arg278Cys). This variant is present in population databases (rs200920712, gnomAD 0.004%). This variant has not been reported in the literature in individuals affected with MECR-related conditions. ClinVar contains an entry for this variant (Variation ID: 2191830). An algorithm developed to predict the effect of missense changes on protein structure and function (PolyPhen-2) suggests that this variant is likely to be disruptive. In summary, the available evidence is currently insufficient to determine the role of this variant in disease. Therefore, it has been classified as a Variant of Uncertain Significance.